The following is an entry in ClinVar:

NM_000075.4(CDK4):c.610T>A (p.Phe204Ile)

Gene: CDK4 (cyclin dependent kinase 4; minus strand). Cytogenetic location: 12q14.1.
Variant type: single nucleotide variant.
Coding change: c.610T>A on transcript NM_000075.4 (MANE Select); coding-DNA position 610, T replaced by A.
Protein change: p.Phe204Ile; replaces phenylalanine 204 with isoleucine.
Molecular consequence: missense variant.
Genome position (GRCh38, 1-based): chr12:57,750,678, A>T on the plus strand (T>A on the coding strand, the complement: CDK4 is on the minus strand). VCF-style: chr12-57750678-A-T. GRCh37 (hg19) VCF-style: chr12-58144461-A-T.
Other names: short protein forms F204I.
Identifiers: ClinVar variation 959393 (VCV000959393.11), dbSNP rs1955226021, ClinGen allele CA385545624.

ClinVar aggregate classification (germline): Uncertain significance. Review status: criteria provided, multiple submitters, no conflicts (2 of 4 stars). 2 submissions from 2 submitters: Uncertain significance (2). Last evaluated 2024-04-18.

Conditions:
Hereditary cancer-predisposing syndrome. Also called: Tumor predisposition; Hereditary neoplastic syndrome; Neoplastic Syndromes, Hereditary; Hereditary Cancer Syndrome. Identifiers: Orphanet 140162, MedGen C0027672, MeSH D009386, MONDO:0015356.
Familial melanoma. Also called: Hereditary melanoma; Hereditary cutaneous melanoma. Identifiers: Orphanet 618, MedGen C1512419, MONDO:0018961.

Submissions (2):

Labcorp Genetics (formerly Invitae), Labcorp
Classification: Uncertain significance for Familial melanoma. Last evaluated: 2024-04-18. Review status: criteria provided, single submitter. Criteria: Invitae Variant Classification Sherloc (09022015). Collection method: clinical testing. Allele origin: germline.
Comment: This sequence change replaces phenylalanine, which is neutral and non-polar, with isoleucine, which is neutral and non-polar, at codon 204 of the CDK4 protein (p.Phe204Ile). This variant is not present in population databases (gnomAD no frequency). This variant has not been reported in the literature in individuals affected with CDK4-related conditions. ClinVar contains an entry for this variant (Variation ID: 959393). An algorithm developed to predict the effect of missense changes on protein structure and function (PolyPhen-2) suggests that this variant is likely to be tolerated. In summary, the available evidence is currently insufficient to determine the role of this variant in disease. Therefore, it has been classified as a Variant of Uncertain Significance.

Ambry Genetics
Classification: Uncertain significance for Hereditary cancer-predisposing syndrome. Last evaluated: 2023-09-10. Review status: criteria provided, single submitter. Criteria: Ambry Variant Classification Scheme 2023. Collection method: clinical testing. Allele origin: germline.
Comment: The p.F204I variant (also known as c.610T>A), located in coding exon 4 of the CDK4 gene, results from a T to A substitution at nucleotide position 610. The phenylalanine at codon 204 is replaced by isoleucine, an amino acid with highly similar properties. This amino acid position is conserved. In addition, the in silico prediction for this alteration is inconclusive. Since supporting evidence is limited at this time, the clinical significance of this alteration remains unclear.